The following is an entry in ClinVar:

NM_001458.5(FLNC):c.4426C>A (p.Pro1476Thr)

Gene: FLNC (filamin C; plus strand). Cytogenetic location: 7q32.1.
Variant type: single nucleotide variant.
Coding change: c.4426C>A on transcript NM_001458.5 (MANE Select); coding-DNA position 4426, C replaced by A.
Protein change: p.Pro1476Thr; replaces proline 1476 with threonine.
Molecular consequence: missense variant.
Genome position (GRCh38, 1-based): chr7:128,847,834, C>A. VCF-style: chr7-128847834-C-A. GRCh37 (hg19) VCF-style: chr7-128487888-C-A.
Other names: c.4426C>A, p.Pro1476Thr (NM_001127487.2); short protein forms P1476T.
Identifiers: ClinVar variation 2933092 (VCV002933092.4), dbSNP rs757187593, ClinGen allele CA166183073.

ClinVar aggregate classification (germline): Uncertain significance. Review status: criteria provided, multiple submitters, no conflicts (2 of 4 stars). 2 submissions from 2 submitters: Uncertain significance (2). Last evaluated 2025-09-26.

Conditions:
Hypertrophic cardiomyopathy 26. Also called: Cardiomyopathy, familial hypertrophic, 26. Identifiers: Orphanet 75249, MedGen C4310749, MONDO:0014883, OMIM 617047.
Myofibrillar myopathy 5. Also called: Filaminopathy (type); FILAMINOPATHY, AUTOSOMAL DOMINANT. Identifiers: Orphanet 171445, MedGen C1836050, MONDO:0012289, OMIM 609524.
Distal myopathy with posterior leg and anterior hand involvement. Also called: WILLIAMS DISTAL MYOPATHY. Identifiers: Orphanet 63273, MedGen C3279722, MONDO:0013550, OMIM 614065.

Allele frequency attached by ClinVar (database versions not stated): gnomAD exomes below 0.00001; TOPMed below 0.00001.

Submissions (2):

Labcorp Genetics (formerly Invitae), Labcorp
Classification: Uncertain significance for Distal myopathy with posterior leg and anterior hand involvement; Myofibrillar myopathy 5; Hypertrophic cardiomyopathy 26. Last evaluated: 2025-09-26. Review status: criteria provided, single submitter. Criteria: Invitae Variant Classification Sherloc (09022015). Collection method: clinical testing. Allele origin: germline.
Comment: This sequence change replaces proline, which is neutral and non-polar, with threonine, which is neutral and polar, at codon 1476 of the FLNC protein (p.Pro1476Thr). This variant is not present in population databases (gnomAD no frequency). This variant has not been reported in the literature in individuals affected with FLNC-related conditions. ClinVar contains an entry for this variant (Variation ID: 2933092). Invitae Evidence Modeling of protein sequence and biophysical properties (such as structural, functional, and spatial information, amino acid conservation, physicochemical variation, residue mobility, and thermodynamic stability) has been performed for this missense variant. However, the output from this modeling did not meet the statistical confidence thresholds required to predict the impact of this variant on FLNC protein function. In summary, the available evidence is currently insufficient to determine the role of this variant in disease. Therefore, it has been classified as a Variant of Uncertain Significance.

GeneDx
Classification: Uncertain significance. Last evaluated: 2025-05-03. Review status: criteria provided, single submitter. Criteria: GeneDx Variant Classification Process June 2021. Collection method: clinical testing. Allele origin: germline. Affected: yes.
Comment: Not observed at significant frequency in large population cohorts (gnomAD); In silico analysis supports that this missense variant has a deleterious effect on protein structure/function; Has not been previously published as pathogenic or benign to our knowledge